The following is an entry in ClinVar:

NM_004991.4(MECOM):c.3311C>T (p.Pro1104Leu)

Gene: MECOM (MDS1 and EVI1 complex locus; minus strand). Cytogenetic location: 3q26.2.
Variant type: single nucleotide variant.
Coding change: c.3311C>T on transcript NM_004991.4 (MANE Select); coding-DNA position 3311, C replaced by T.
Protein change: p.Pro1104Leu; replaces proline 1104 with leucine.
Molecular consequence: missense variant.
Genome position (GRCh38, 1-based): chr3:169,090,090, G>A on the plus strand (C>T on the coding strand, the complement: MECOM is on the minus strand). VCF-style: chr3-169090090-G-A. GRCh37 (hg19) VCF-style: chr3-168807878-G-A.
Other names: c.2942C>T, p.Pro981Leu (NM_001105077.4); c.2747C>T, p.Pro916Leu (NM_001105078.4, NM_001205194.2, NM_001366469.2 and 1 more transcripts); c.2723C>T, p.Pro908Leu (NM_001163999.2, NM_001366470.2); c.2720C>T, p.Pro907Leu (NM_001164000.2, NM_001366471.2, NM_001366472.2); c.3284C>T, p.Pro1095Leu (NM_001366466.2); c.2750C>T, p.Pro917Leu (NM_001366467.2, NM_001366468.2); c.2312C>T, p.Pro771Leu (NM_001366473.2); c.1748C>T, p.Pro583Leu (NM_001366474.2); short protein forms P1104L, P908L, P771L, P916L, P1095L, P583L, P907L, P917L.
Identifiers: ClinVar variation 4053218 (VCV004053218.1).

ClinVar aggregate classification (germline): Uncertain significance (1 of 4 stars; one submission).

Conditions:
Inborn genetic diseases. Identifiers: MedGen C0950123, MeSH D030342.

gnomAD v4.1: 2 of 1,613,540 alleles (0.00012%); highest among the groups gnomAD compares: South Asian, 0.0011%; no homozygotes.

Submission:

Ambry Genetics
Classification: Uncertain significance for Inborn genetic diseases. Last evaluated: 2025-04-21. Review status: criteria provided, single submitter. Criteria: Ambry Variant Classification Scheme 2023. Collection method: clinical testing. Allele origin: germline.
Comment: The p.P1104L variant (also known as c.3311C>T), located in coding exon 15 of the MECOM gene, results from a C to T substitution at nucleotide position 3311. The proline at codon 1104 is replaced by leucine, an amino acid with similar properties. This amino acid position is conserved. In addition, this alteration is predicted to be tolerated by in silico analysis. Based on the available evidence, the clinical significance of this variant remains unclear.